The following is an entry in ClinVar:

ClinVar aggregate classification (germline): Uncertain significance (1 of 4 stars; one submission).

Allele frequency attached by ClinVar (database versions not stated): TOPMed below 0.00001.

Submission:

Labcorp Genetics (formerly Invitae), Labcorp
Classification: Uncertain significance. Last evaluated: 2022-07-24. Review status: criteria provided, single submitter. Criteria: Invitae Variant Classification Sherloc (09022015). Collection method: clinical testing. Allele origin: germline.
Comment: This sequence change replaces histidine, which is basic and polar, with glutamine, which is neutral and polar, at codon 1819 of the C2CD3 protein (p.His1819Gln). In summary, the available evidence is currently insufficient to determine the role of this variant in disease. Therefore, it has been classified as a Variant of Uncertain Significance. Algorithms developed to predict the effect of missense changes on protein structure and function output the following: SIFT: "Tolerated"; PolyPhen-2: "Benign"; Align-GVGD: "Class C0". The glutamine amino acid residue is found in multiple mammalian species, which suggests that this missense change does not adversely affect protein function. This variant has not been reported in the literature in individuals affected with C2CD3-related conditions. This variant is not present in population databases (gnomAD no frequency).

NM_001286577.2(C2CD3):c.5457T>G (p.His1819Gln)

Gene: C2CD3 (C2 domain containing 3 centriole elongation regulator; minus strand). Cytogenetic location: 11q13.4.
Variant type: single nucleotide variant.
Coding change: c.5457T>G on transcript NM_001286577.2 (MANE Select); coding-DNA position 5457, T replaced by G.
Protein change: p.His1819Gln; replaces histidine 1819 with glutamine.
Molecular consequence: missense variant.
Genome position (GRCh38, 1-based): chr11:74,048,243, A>C on the plus strand (T>G on the coding strand, the complement: C2CD3 is on the minus strand). VCF-style: chr11-74048243-A-C. GRCh37 (hg19) VCF-style: chr11-73759288-A-C.
Other names: c.5457T>G, p.His1819Gln (NM_015531.6); short protein forms H1819Q.
Identifiers: ClinVar variation 1719720 (VCV001719720.5), dbSNP rs1953484566, ClinGen allele CA381826691.